The following is an entry in ClinVar:

ClinVar aggregate classification (germline): Pathogenic (1 of 4 stars; one submission).

Conditions:
X-linked agammaglobulinemia with growth hormone deficiency (IGHD3). Also called: FLEISHER SYNDROME; HYPOGAMMAGLOBULINEMIA AND ISOLATED GROWTH HORMONE DEFICIENCY, X-LINKED; IGHD III; Isolated growth hormone deficiency type 3; Growth hormone deficiency with hypogammaglobulinemia; AGAMMAGLOBULINEMIA AND ISOLATED GROWTH HORMONE DEFICIENCY, X-LINKED. Identifiers: Orphanet 231692, Orphanet 631, MedGen C0472813, MONDO:0010615, OMIM 307200.

Submissions (2):

Labcorp Genetics (formerly Invitae), Labcorp
Classification: Pathogenic for X-linked agammaglobulinemia with growth hormone deficiency. Last evaluated: 2021-07-22. Review status: criteria provided, single submitter. Criteria: Invitae Variant Classification Sherloc (09022015). Collection method: clinical testing. Allele origin: germline.
Comment: For these reasons, this variant has been classified as Pathogenic. This sequence change affects an acceptor splice site in intron 10 of the BTK gene. It is expected to disrupt RNA splicing and likely results in an absent or disrupted protein product. This variant is not present in population databases (ExAC no frequency). Variant(s) at this splice site have been observed in individuals affected with X-linked agammaglobulinemia (PMID: 9545398). Algorithms developed to predict the effect of sequence changes on RNA splicing suggest that this variant may disrupt the consensus splice site, but this prediction has not been confirmed by published transcriptional studies. Donor and acceptor splice site variants typically lead to a loss of protein function (PMID: 16199547), and loss-of-function variants in BTK are known to be pathogenic (PMID: 15661032, 16862044, 19419768).

Dr. Peter K. Rogan Lab, Western University
No classification provided (evidence only). Condition: Thyroid cancer, nonmedullary, 1. Review status: no classification provided. Collection method: in vitro. Allele origin: not applicable. Functional consequence: retained intron. Not counted in ClinVar's aggregate classification.

Literature cited by the submitters: PubMed 9545398 (cited by Labcorp Genetics (formerly Invitae), Labcorp); PubMed 16199547 (cited by Labcorp Genetics (formerly Invitae), Labcorp); PubMed 15661032 (cited by Labcorp Genetics (formerly Invitae), Labcorp); PubMed 16862044 (cited by Labcorp Genetics (formerly Invitae), Labcorp); PubMed 19419768 (cited by Labcorp Genetics (formerly Invitae), Labcorp).

NM_000061.3(BTK):c.895-1G>T

Gene: BTK (Bruton tyrosine kinase; minus strand). Cytogenetic location: Xq22.1.
Variant type: single nucleotide variant.
Coding change: c.895-1G>T on transcript NM_000061.3 (MANE Select); the canonical splice acceptor site of the intron before coding-DNA position 895, G replaced by T.
Molecular consequence: splice acceptor variant.
Genome position (GRCh38, 1-based): chrX:101,358,697, C>A on the plus strand (G>T on the coding strand, the complement: BTK is on the minus strand). VCF-style: chrX-101358697-C-A. GRCh37 (hg19) VCF-style: chrX-100613685-C-A.
Other names: c.997-1G>T (NM_001287344.2); c.895-1G>T (NM_001287345.2).
Identifiers: ClinVar variation 968677 (VCV000968677.11), dbSNP rs1926563964, ClinGen allele CA413929433.